The following is an entry in ClinVar:

NM_001382422.1(EXOC3L2):c.2215T>C (p.Ser739Pro)

Genes: BLOC1S3 (biogenesis of lysosomal organelles complex 1 subunit 3; plus strand), EXOC3L2 (exocyst complex component 3 like 2; minus strand). Cytogenetic location: 19q13.32.
Variant type: single nucleotide variant.
Coding change: c.2215T>C on transcript NM_001382422.1 (MANE Select); coding-DNA position 2215, T replaced by C.
Protein change: p.Ser739Pro; replaces serine 739 with proline.
Molecular consequence: missense variant.
Genome position (GRCh38, 1-based): chr19:45,213,263, A>G on the plus strand (T>C on the coding strand, the complement: EXOC3L2 is on the minus strand). VCF-style: chr19-45213263-A-G. GRCh37 (hg19) VCF-style: chr19-45716521-A-G.
Other names: short protein forms S739P.
Identifiers: ClinVar variation 2072937 (VCV002072937.28), dbSNP rs530663749, ClinGen allele CA9510378.

ClinVar aggregate classification (germline): Benign/Likely benign. Review status: criteria provided, multiple submitters, no conflicts (2 of 4 stars). 2 submissions from 2 submitters: Benign (1); Likely benign (1). Last evaluated 2025-12-01.

Allele frequency attached by ClinVar (database versions not stated): TOPMed 0.00017; gnomAD 0.00037; gnomAD exomes 0.00045; ExAC 0.00119; 1000 Genomes Project 0.00200; 1000 Genomes Project 30x 0.00203.
gnomAD v4.1: 729 of 1,613,622 alleles (0.045%); highest among the groups gnomAD compares: South Asian, 0.69%; 8 homozygotes.

Submissions (2):

CeGaT Center for Human Genetics Tuebingen
Classification: Likely benign. Last evaluated: 2025-12-01. Review status: criteria provided, single submitter. Criteria: CeGaT Center For Human Genetics Tuebingen Variant Classification Criteria Version 2. Collection method: clinical testing. Allele origin: germline. Affected: yes. Observed: 2 variant alleles.
Comment: EXOC3L2: BS2

Labcorp Genetics (formerly Invitae), Labcorp
Classification: Benign. Last evaluated: 2025-10-01. Review status: criteria provided, single submitter. Criteria: Invitae Variant Classification Sherloc (09022015). Collection method: clinical testing. Allele origin: germline.